The following is an entry in ClinVar:

NM_032043.3(BRIP1):c.2950_3019del (p.Val984fs)

Gene: BRIP1 (BRCA1 interacting DNA helicase 1; minus strand). Cytogenetic location: 17q23.2.
Variant type: Deletion.
Coding change: c.2950_3019del on transcript NM_032043.3 (MANE Select); coding-DNA positions 2950 to 3019, 70 bases deleted.
Protein change: p.Val984fs; shifts the reading frame from valine 984.
Molecular consequence: frameshift variant.
Genome position (GRCh38, 1-based): chr17:61,684,027-61,684,096, 70 bases deleted. GRCh37 (hg19): chr17:59,761,392-59,761,461.
Other names: short protein forms V984fs.
Identifiers: ClinVar variation 2583777 (VCV002583777.2), dbSNP rs2544561324, ClinGen allele CA2582342295.

ClinVar aggregate classification (germline): Pathogenic (1 of 4 stars; one submission).

Conditions:
Familial cancer of breast. Also called: BREAST CANCER, FAMILIAL; hereditary breast carcinoma; Hereditary breast cancer. Identifiers: Orphanet 227535, MedGen C0346153, MONDO:0016419, OMIM 114480. Disease mechanism: loss of function.

Submission:

Myriad Genetics, Inc.
Classification: Pathogenic for Familial cancer of breast. Last evaluated: 2023-06-07. Review status: criteria provided, single submitter. Criteria: Myriad Autosomal Dominant, Autosomal Recessive and X-Linked Classification Criteria (2023). Collection method: clinical testing. Allele origin: unknown.
Comment: This variant is considered pathogenic. This variant creates a frameshift predicted to result in premature protein truncation.